The following is an entry in ClinVar:

ClinVar aggregate classification (germline): Uncertain significance (1 of 4 stars; one submission).

Conditions:
Combined immunodeficiency with skin granulomas. Identifiers: Orphanet 157949, MedGen C2673536, MONDO:0009306, OMIM 233650.
Severe combined immunodeficiency, autosomal recessive, T cell-negative, B cell-negative, NK cell-positive. Also called: SCID, AR, T-cell negative, B-cell negative, NK cell-positive; Severe combined immunodeficiency due to complete RAG1/2 deficiency; SCID, T CELL-NEGATIVE, B CELL-NEGATIVE, NK CELL-POSITIVE. Identifiers: Orphanet 331206, MedGen C1832322, MONDO:0011086, OMIM 601457.

Allele frequency attached by ClinVar (database versions not stated): ExAC 0.00002; gnomAD exomes 0.00002.

Submission:

Labcorp Genetics (formerly Invitae), Labcorp
Classification: Uncertain significance for Combined immunodeficiency with skin granulomas; Severe combined immunodeficiency, autosomal recessive, T cell-negative, B cell-negative, NK cell-positive. Last evaluated: 2022-08-09. Review status: criteria provided, single submitter. Criteria: Invitae Variant Classification Sherloc (09022015). Collection method: clinical testing. Allele origin: germline.
Comment: This sequence change replaces leucine, which is neutral and non-polar, with valine, which is neutral and non-polar, at codon 107 of the RAG1 protein (p.Leu107Val). This variant is present in population databases (rs144019501, gnomAD 0.004%). This variant has not been reported in the literature in individuals affected with RAG1-related conditions. ClinVar contains an entry for this variant (Variation ID: 1060649). Advanced modeling of protein sequence and biophysical properties (such as structural, functional, and spatial information, amino acid conservation, physicochemical variation, residue mobility, and thermodynamic stability) performed at Invitae indicates that this missense variant is not expected to disrupt RAG1 protein function. In summary, the available evidence is currently insufficient to determine the role of this variant in disease. Therefore, it has been classified as a Variant of Uncertain Significance.

NM_000448.3(RAG1):c.319C>G (p.Leu107Val)

Gene: RAG1 (recombination activating 1; plus strand). Cytogenetic location: 11p12.
Variant type: single nucleotide variant.
Coding change: c.319C>G on transcript NM_000448.3 (MANE Select); coding-DNA position 319, C replaced by G.
Protein change: p.Leu107Val; replaces leucine 107 with valine.
Molecular consequence: missense variant.
Genome position (GRCh38, 1-based): chr11:36,573,623, C>G. VCF-style: chr11-36573623-C-G. GRCh37 (hg19) VCF-style: chr11-36595173-C-G.
Other names: c.319C>G, p.Leu107Val (NM_001377277.1, NM_001377278.1, NM_001377279.1 and 1 more transcripts); short protein forms L107V.
Identifiers: ClinVar variation 1060649 (VCV001060649.6), dbSNP rs144019501, ClinGen allele CA5949960.
Genomic context (GRCh38, chr11:36,573,623, plus strand): 5'-TTTTCAAAGAAATTTCACGACAACGAGAAAGCAAGAGGCAAAGCGATCCATCAAGCCAAC[C>G]TTCGACATCTCTGCCGCATCTGTGGGAATTCTTTTAGAGCTGATGAGCACAACAGGAGAT-3'
Protein context (NP_000439.2, residues 97-117): ARGKAIHQAN[Leu107Val]RHLCRICGNS